The following is an entry in ClinVar:

ClinVar aggregate classification (germline): Uncertain significance. Review status: criteria provided, multiple submitters, no conflicts (2 of 4 stars). 2 submissions from 2 submitters: Uncertain significance (2). Last evaluated 2025-08-18.

Allele frequency attached by ClinVar (database versions not stated): ESP Exome Variant Server 0.00015; 1000 Genomes Project 30x 0.00016; ExAC 0.00017; 1000 Genomes Project 0.00020; gnomAD exomes 0.00029; gnomAD 0.00032; TOPMed 0.00032.
gnomAD v4.1: 463 of 1,614,026 alleles (0.029%); highest among the groups gnomAD compares: Admixed American, 0.06%; no homozygotes.

Submissions (2):

Labcorp Genetics (formerly Invitae), Labcorp
Classification: Uncertain significance. Last evaluated: 2025-08-18. Review status: criteria provided, single submitter. Criteria: Invitae Variant Classification Sherloc (09022015). Collection method: clinical testing. Allele origin: germline.
Comment: This sequence change replaces glycine, which is neutral and non-polar, with serine, which is neutral and polar, at codon 1310 of the SIPA1L3 protein (p.Gly1310Ser). This variant is present in population databases (rs139837907, gnomAD 0.03%). This variant has not been reported in the literature in individuals affected with SIPA1L3-related conditions. ClinVar contains an entry for this variant (Variation ID: 2849213). An algorithm developed to predict the effect of missense changes on protein structure and function (PolyPhen-2) suggests that this variant is likely to be disruptive. In summary, the available evidence is currently insufficient to determine the role of this variant in disease. Therefore, it has been classified as a Variant of Uncertain Significance.

Blueprint Genetics
Classification: Uncertain significance. Last evaluated: 2024-07-05. Review status: criteria provided, single submitter. Criteria: ACMG Guidelines, 2015. Collection method: clinical testing. Allele origin: germline.

NM_015073.3(SIPA1L3):c.3928G>A (p.Gly1310Ser)

Gene: SIPA1L3 (signal induced proliferation associated 1 like 3; plus strand). Cytogenetic location: 19q13.13.
Variant type: single nucleotide variant.
Coding change: c.3928G>A on transcript NM_015073.3 (MANE Select); coding-DNA position 3928, G replaced by A.
Protein change: p.Gly1310Ser; replaces glycine 1310 with serine.
Molecular consequence: missense variant.
Genome position (GRCh38, 1-based): chr19:38,164,626, G>A. VCF-style: chr19-38164626-G-A. GRCh37 (hg19) VCF-style: chr19-38655266-G-A.
Other names: short protein forms G1310S.
Identifiers: ClinVar variation 2849213 (VCV002849213.4), dbSNP rs139837907, ClinGen allele CA9410154.